The following is an entry in ClinVar:

ClinVar aggregate classification (germline): Benign (1 of 4 stars; one submission).

Submission:

GeneDx
Classification: Benign. Last evaluated: 2015-03-03. Review status: criteria provided, single submitter. Criteria: GeneDx Variant Classification (06012015). Collection method: clinical testing. Allele origin: germline. Affected: yes.
Comment: This variant was found in HHT-ARRHYTHMIA,ARRHYTHMIA

NM_002890.3(RASA1):c.2184+9_2184+10insGTTAAA

Genes: CCNH (cyclin H; minus strand), RASA1 (RAS p21 protein activator 1; plus strand). Cytogenetic location: 5q14.3.
Variant type: Insertion.
Coding change: c.2184+9_2184+10insGTTAAA on transcript NM_002890.3 (MANE Select); bases 9 to 10 of the intron after coding-DNA position 2184, GTTAAA inserted.
Molecular consequence: intron variant.
Genome position: GRCh38 VCF-style: chr5-87376574-T-TGTTAAA. GRCh37 (hg19) VCF-style: chr5-86672391-T-TGTTAAA.
Other names: c.1653+9_1653+10insGTTAAA (NM_022650.3); c.933+18469_933+18470insTTTAAC (NM_001364075.2).
Identifiers: ClinVar variation 213653 (VCV000213653.3), dbSNP rs863223716, ClinGen allele CA321590.